The following is an entry in ClinVar:

NM_002691.4(POLD1):c.2911G>C (p.Glu971Gln)

Gene: POLD1 (DNA polymerase delta 1, catalytic subunit; plus strand). Cytogenetic location: 19q13.33.
Variant type: single nucleotide variant.
Coding change: c.2911G>C on transcript NM_002691.4 (MANE Select); coding-DNA position 2911, G replaced by C.
Protein change: p.Glu971Gln; replaces glutamic acid 971 with glutamine.
Molecular consequence: missense variant. On other transcripts: non-coding transcript variant (1).
Genome position (GRCh38, 1-based): chr19:50,416,486, G>C. VCF-style: chr19-50416486-G-C. GRCh37 (hg19) VCF-style: chr19-50919743-G-C.
Other names: c.2911G>C, p.Glu971Gln (NM_001256849.1); c.2989G>C, p.Glu997Gln (NM_001308632.1); short protein forms E971Q, E997Q.
Identifiers: ClinVar variation 1507378 (VCV001507378.11), dbSNP rs897259743, ClinGen allele CA309605368.
Genomic context (GRCh38, chr19:50,416,486, plus strand): 5'-CCCATTGACACGCAGTACTACCTGGAGCAGCAGCTGGCCAAGCCCCTCCTGCGCATCTTC[G>C]AGCCCATCCTGGGCGAGGGCCGTGCCGAGGCTGTGCTACTGCGTACGGGGGCACCAGGGG-3'
Protein context (NP_002682.2, residues 961-981): QLAKPLLRIF[Glu971Gln]PILGEGRAEA

ClinVar aggregate classification (germline): Conflicting classifications of pathogenicity. Review status: criteria provided, conflicting classifications (1 of 4 stars). 2 submissions from 2 submitters: Uncertain significance (1); Likely benign (1). Last evaluated 2025-09-16.

Conditions:
POLD1-related polyposis and colorectal cancer syndrome (CRCS10). Also called: Colorectal cancer 10; COLORECTAL CANCER, SUSCEPTIBILITY TO, ON CHROMOSOME 19q; Colorectal cancer, susceptibility to, 10. Identifiers: Orphanet 220460, MedGen C2675481, MONDO:0012953, OMIM 612591.
Hereditary cancer-predisposing syndrome. Also called: Neoplastic Syndromes, Hereditary; Tumor predisposition; Hereditary Cancer Syndrome; Hereditary neoplastic syndrome. Identifiers: Orphanet 140162, MedGen C0027672, MeSH D009386, MONDO:0015356.

Submissions (2):

Labcorp Genetics (formerly Invitae), Labcorp
Classification: Uncertain significance for POLD1-related polyposis and colorectal cancer syndrome. Last evaluated: 2025-09-16. Review status: criteria provided, single submitter. Criteria: Invitae Variant Classification Sherloc (09022015). Collection method: clinical testing. Allele origin: germline.
Comment: This sequence change replaces glutamic acid, which is acidic and polar, with glutamine, which is neutral and polar, at codon 971 of the POLD1 protein (p.Glu971Gln). This variant is not present in population databases (gnomAD no frequency). This variant has not been reported in the literature in individuals affected with POLD1-related conditions. ClinVar contains an entry for this variant (Variation ID: 1507378). Invitae Evidence Modeling of protein sequence and biophysical properties (such as structural, functional, and spatial information, amino acid conservation, physicochemical variation, residue mobility, and thermodynamic stability) indicates that this missense variant is not expected to disrupt POLD1 protein function with a negative predictive value of 80%. In summary, the available evidence is currently insufficient to determine the role of this variant in disease. Therefore, it has been classified as a Variant of Uncertain Significance.

Ambry Genetics
Classification: Likely benign for Hereditary cancer-predisposing syndrome. Last evaluated: 2025-04-07. Review status: criteria provided, single submitter. Criteria: Ambry Variant Classification Scheme 2023. Collection method: clinical testing. Allele origin: germline.